The following continues an entry in ClinVar:

NM_000051.4(ATM):c.5821G>C (p.Val1941Leu)

ClinVar aggregate classification (germline): Likely benign. Likely benign (1).

Submissions 25 to 29 of 29:

Fulgent Genetics
Classification: Uncertain significance for Familial cancer of breast; Ataxia-telangiectasia syndrome. Last evaluated: 2017-05-23. Review status: criteria provided, single submitter. Criteria: ACMG Guidelines, 2015. Collection method: clinical testing. Allele origin: unknown. Not counted in ClinVar's aggregate classification.

Center for Pediatric Genomic Medicine, Children's Mercy Hospital and Clinics
Classification: Uncertain significance. Last evaluated: 2016-01-18. Review status: criteria provided, single submitter. Criteria: ACMG Guidelines, 2015. Collection method: clinical testing. Allele origin: germline. Not counted in ClinVar's aggregate classification.
ClinVar note: Converted during submission from Uncertain Significance to Uncertain significance.

King Laboratory, University of Washington
Classification: Benign. Last evaluated: 2019-09-01. Review status: no assertion criteria provided. Collection method: research. Allele origin: germline. Affected: yes. Not counted in ClinVar's aggregate classification.
Comment: Transcript analysis by cBROCA

Counsyl
Classification: Uncertain significance for Ataxia-telangiectasia syndrome. Last evaluated: 2017-11-10. Review status: no assertion criteria provided. Collection method: clinical testing. Allele origin: unknown. Not counted in ClinVar's aggregate classification.

Academic Department of Medical Genetics, University of Cambridge
Classification: Likely pathogenic for Hereditary cancer-predisposing syndrome. Last evaluated: 2018-01-26. Review status: flagged submission. Criteria: ACMG Guidelines, 2015. Collection method: research. Allele origin: germline. Affected: yes. Observed: 1 heterozygote. Not counted in ClinVar's aggregate classification.
Comment: Application of AMCG guidelines 2015. Used other ClinVar submission evidence where relevant. Loss of heterozygosity in tumours or immunohistochemistry abnormalities considered functional evidence of pathogenicity.

Identified as part of research study of individuals with multiple primary tumours referred for genetic assessment
ClinVar note: Reason: Outlier claim with insufficient supporting evidence

Literature cited by the submitters: PubMed 16832357 (cited by 6 submitters); PubMed 19781682 (cited by 6 submitters); PubMed 21933854 (cited by 6 submitters); PubMed 25186627 (cited by 3 submitters); PubMed 25503501 (cited by 6 submitters); PubMed 26580448 (cited by 4 submitters); PubMed 28779002 (cited by Ambry Genetics and Sema4); PubMed 29522266 (cited by Ambry Genetics and Department of Pathology and Laboratory Medicine, Sinai Health System); PubMed 29909963 (cited by 4 submitters); PubMed 31843900 (cited by Ambry Genetics and King Laboratory, University of Washington); PubMed 33436325 (cited by Ambry Genetics and Women's Health and Genetics/Laboratory Corporation of America, LabCorp); PubMed 19431188 (cited by 7 submitters); PubMed 34262154 (cited by Mayo Clinic Laboratories, Mayo Clinic); PubMed 34326862 (cited by Mayo Clinic Laboratories, Mayo Clinic); PubMed 35534704 (cited by Mayo Clinic Laboratories, Mayo Clinic); PubMed 25980754 (cited by 5 submitters); PubMed 28652578 (cited by Women's Health and Genetics/Laboratory Corporation of America, LabCorp and Department of Pathology and Laboratory Medicine, Sinai Health System); PubMed 9764584 (cited by Women's Health and Genetics/Laboratory Corporation of America, LabCorp and Sema4); PubMed 33471991 (cited by 3 submitters); PubMed 35980532 (cited by Women's Health and Genetics/Laboratory Corporation of America, LabCorp); PubMed 35047863 (cited by Women's Health and Genetics/Laboratory Corporation of America, LabCorp); PubMed 25085752 (cited by Myriad Genetics, Inc.); PubMed 16014569 (cited by Athena Diagnostics).